The following is an entry in ClinVar:

NM_001130987.2(DYSF):c.5785-7G>C

Gene: DYSF (dysferlin; plus strand). Cytogenetic location: 2p13.2.
Variant type: single nucleotide variant.
Coding change: c.5785-7G>C on transcript NM_001130987.2 (MANE Select); 7 bases into the intron before coding-DNA position 5785, G replaced by C.
Molecular consequence: intron variant.
Genome position (GRCh38, 1-based): chr2:71,674,190, G>C. VCF-style: chr2-71674190-G-C. GRCh37 (hg19) VCF-style: chr2-71901320-G-C.
Other names: c.5626-7G>C (NM_001130976.2); c.5764-7G>C (NM_001130982.2); c.5722-7G>C (NM_001130985.2); c.5734-7G>C (NM_001130983.2); c.5671-7G>C (NM_001130455.2); c.5692-7G>C (NM_001130984.2); c.5629-7G>C (NM_001130986.2); c.5761-7G>C (NM_001130979.2); and 5 more.
Identifiers: ClinVar variation 4848306 (VCV004848306.1).

ClinVar aggregate classification (germline): Likely benign (1 of 4 stars; one submission).

Submission:

Women's Health and Genetics/Laboratory Corporation of America, LabCorp
Classification: Likely benign. Last evaluated: 2026-02-17. Review status: criteria provided, single submitter. Criteria: LabCorp Variant Classification Summary - May 2015. Collection method: clinical testing. Allele origin: germline.
Comment: Variant summary: DYSF c.5668-7G>C alters a nucleotide located at a position not widely known to affect splicing. Consensus agreement among computation tools predict no significant impact on normal splicing. However, these predictions have yet to be confirmed by functional studies. The variant was absent in 251410 control chromosomes. The available data on variant occurrences in the general population are insufficient to allow any conclusion about variant significance. To our knowledge, no occurrence of c.5668-7G>C in individuals affected with DYSF-related conditions and no experimental evidence demonstrating its impact on protein function have been reported. No submitters have cited clinical-significance assessments for this variant to ClinVar. Based on the evidence outlined above, the variant was classified as likely benign.